The following is an entry in ClinVar:

NM_000088.4(COL1A1):c.954del (p.Ala319fs)

Gene: COL1A1 (collagen type I alpha 1 chain; minus strand). Cytogenetic location: 17q21.33.
Variant type: Deletion.
Coding change: c.954del on transcript NM_000088.4 (MANE Select); coding-DNA position 954, one base deleted (T; older notation c.954delT).
Protein change: p.Ala319fs; shifts the reading frame from alanine 319.
Molecular consequence: frameshift variant.
Genome position (GRCh38, 1-based): chr17:50,196,317, A deleted on the plus strand (T on the coding strand, the reverse complement: COL1A1 is on the minus strand). VCF-style (leftmost placement, unchanged base first): chr17-50196316-CA-C. GRCh37 (hg19) VCF-style: chr17-48273677-CA-C.
Other names: short protein forms A319fs.
Identifiers: ClinVar variation 4839365 (VCV004839365.1).

ClinVar aggregate classification (germline): Pathogenic (1 of 4 stars; one submission).

Conditions:
Cardiovascular phenotype. Identifiers: MedGen CN230736.

Submission:

Ambry Genetics
Classification: Pathogenic for Cardiovascular phenotype. Last evaluated: 2026-01-28. Review status: criteria provided, single submitter. Criteria: Ambry Variant Classification Scheme 2023. Collection method: clinical testing. Allele origin: germline.
Comment: The c.954delT (p.A319Lfs*222) alteration, located in exon 14 (coding exon 14) of the COL1A1 gene, consists of a deletion of one nucleotide at position 954, causing a translational frameshift with a predicted alternate stop codon after 222 amino acids. Frameshift alterations are typically deleterious in nature (Richards, 2015). This alteration is expected to result in loss of function by premature protein truncation or nonsense-mediated mRNA decay. for COL1A1-related osteogenesis imperfecta/overlap disorder; however, its clinical significance for COL1A1-related Ehlers-Danlos syndrome and Caffey disease is uncertain. This variant was not reported in population-based cohorts in the Genome Aggregation Database (gnomAD). Based on the available evidence, this alteration is classified as pathogenic.